The following is an entry in ClinVar:

ClinVar aggregate classification (germline): Uncertain significance (1 of 4 stars; one submission).

Submission:

ARUP Laboratories, Molecular Genetics and Genomics, ARUP Laboratories
Classification: Uncertain significance. Last evaluated: 2024-10-11. Review status: criteria provided, single submitter. Criteria: ARUP Molecular Germline Variant Investigation Process 2024. Collection method: clinical testing. Allele origin: germline.
Comment: The RAG1 c.1698G>C; p.Leu566Phe variant, to our knowledge, is not reported in the medical literature or gene specific databases. This variant is also absent from the Genome Aggregation Database (v2.1.1), indicating it is not a common polymorphism. Computational analyses predict that this variant is deleterious (REVEL: 0.731). Due to limited information, the clinical significance of this variant is uncertain at this time.

NM_000448.3(RAG1):c.1698G>C (p.Leu566Phe)

Gene: RAG1 (recombination activating 1; plus strand). Cytogenetic location: 11p12.
Variant type: single nucleotide variant.
Coding change: c.1698G>C on transcript NM_000448.3 (MANE Select); coding-DNA position 1698, G replaced by C.
Protein change: p.Leu566Phe; replaces leucine 566 with phenylalanine.
Molecular consequence: missense variant.
Genome position (GRCh38, 1-based): chr11:36,575,002, G>C. VCF-style: chr11-36575002-G-C. GRCh37 (hg19) VCF-style: chr11-36596552-G-C.
Other names: c.1698G>C, p.Leu566Phe (NM_001377277.1, NM_001377278.1, NM_001377279.1 and 1 more transcripts); short protein forms L566F.
Identifiers: ClinVar variation 3766883 (VCV003766883.1).